The following is an entry in ClinVar:

NM_000112.4(SLC26A2):c.529G>T (p.Asp177Tyr)

Gene: SLC26A2 (solute carrier family 26 member 2; plus strand). Cytogenetic location: 5q32.
Variant type: single nucleotide variant.
Coding change: c.529G>T on transcript NM_000112.4 (MANE Select); coding-DNA position 529, G replaced by T.
Protein change: p.Asp177Tyr; replaces aspartic acid 177 with tyrosine.
Molecular consequence: missense variant.
Genome position (GRCh38, 1-based): chr5:149,978,181, G>T. VCF-style: chr5-149978181-G-T. GRCh37 (hg19) VCF-style: chr5-149357744-G-T.
Other names: short protein forms D177Y.
Identifiers: ClinVar variation 3891294 (VCV003891294.1).
Genomic context (GRCh38, chr5:149,978,181, plus strand): 5'-TCCCGTCACATCTCTGTGGGCATTTTTGGAGTACTGTGCCTTATGATTGGTGAGACAGTT[G>T]ACCGAGAACTACAGAAAGCTGGCTATGACAATGCCCATAGTGCTCCTTCCTTAGGAATGG-3'
Protein context (NP_000103.2, residues 167-187): VLCLMIGETV[Asp177Tyr]RELQKAGYDN

ClinVar aggregate classification (germline): Uncertain significance (1 of 4 stars; one submission).

Conditions:
Diastrophic dysplasia (DTD). Also called: Diastrophic dwarfism. Identifiers: Orphanet 628, MedGen C0220726, MONDO:0009107, OMIM 222600.

Submission:

Medical Molecular Genetics Department, National Research Center
Classification: Uncertain significance for Diastrophic dysplasia. Review status: criteria provided, single submitter. Criteria: ACMG Guidelines, 2015. Collection method: research. Allele origin: germline. Affected: yes.
Comment: The p.Asp177Tyr variant resulted in the substitution of the wild-type Asp with Tyr residue, which is bigger than the wild-type one, and probably results in the disturbance of the structure of the extracellular domain. This variant is not found in dbSNP or population databases. Computational pathogenicity aggregated tools predict it as deleterious (0.84). The variant is classified as VUS (PM2, PP2, PP3) according to ACMG guidelines.

Literature cited by the submitters: PubMed 34064542.